The following is an entry in ClinVar:

ClinVar aggregate classification (germline): Uncertain significance (1 of 4 stars; one submission).

gnomAD v4.1: 1 of 1,614,200 alleles (0.000062%); highest among the groups gnomAD compares: South Asian, 0.0011%; no homozygotes.

Submission:

Ambry Genetics
Classification: Uncertain significance. Last evaluated: 2025-04-18. Review status: criteria provided, single submitter. Criteria: Ambry Variant Classification Scheme 2023. Collection method: clinical testing. Allele origin: germline.
Comment: The p.D160A variant (also known as c.479A>C), located in coding exon 1 of the CDK12 gene, results from an A to C substitution at nucleotide position 479. The aspartic acid at codon 160 is replaced by alanine, an amino acid with dissimilar properties. This amino acid position is conserved. In addition, this alteration is predicted to be tolerated by in silico analysis. Based on the available evidence, the clinical significance of this variant remains unclear.

NM_016507.4(CDK12):c.479A>C (p.Asp160Ala)

Genes: CDK12 (cyclin dependent kinase 12; plus strand), LOC126862553 (CDK7 strongly-dependent group 2 enhancer GRCh37_chr17:37618166-37619365; plus strand). Cytogenetic location: 17q12.
Variant type: single nucleotide variant.
Coding change: c.479A>C on transcript NM_016507.4 (MANE Select); coding-DNA position 479, A replaced by C.
Protein change: p.Asp160Ala; replaces aspartic acid 160 with alanine.
Molecular consequence: missense variant.
Genome position (GRCh38, 1-based): chr17:39,462,550, A>C. VCF-style: chr17-39462550-A-C. GRCh37 (hg19) VCF-style: chr17-37618803-A-C.
Other names: c.479A>C, p.Asp160Ala (NM_015083.4); short protein forms D160A.
Identifiers: ClinVar variation 3999364 (VCV003999364.1).